The following is an entry in ClinVar:

ClinVar aggregate classification (germline): Conflicting classifications of pathogenicity. Review status: criteria provided, conflicting classifications (1 of 4 stars). 7 submissions from 7 submitters: Uncertain significance (1); Benign (4); Likely benign (2). Last evaluated 2026-01-29.

Conditions:
Inborn genetic diseases. Identifiers: MedGen C0950123, MeSH D030342.
Developmental and epileptic encephalopathy, 14 (DEE14). Also called: Early infantile epileptic encephalopathy 14. Identifiers: Orphanet 293181, MedGen C3554195, MONDO:0013989, OMIM 614959.
Autosomal dominant nocturnal frontal lobe epilepsy 5. Also called: CILIARY DYSKINESIA, PRIMARY, 28, WITHOUT SITUS INVERSUS; CILIARY DYSKINESIA, PRIMARY, 28, WITH SITUS INVERSUS; KCNT1-Related Epilepsy; Epilepsy, nocturnal frontal lobe, 5. Identifiers: Orphanet 98784, MedGen C3554306, MONDO:0014002, OMIM 615005.

Allele frequency attached by ClinVar (database versions not stated): ESP Exome Variant Server 0.00078; gnomAD 0.00094 and 0.00098; ExAC 0.00112; TOPMed 0.00129; 1000 Genomes Project 0.00160; 1000 Genomes Project 30x 0.00219.
gnomAD v4.1: 311 of 1,545,446 alleles (0.02%); highest among the groups gnomAD compares: African/African-American, 0.38%; no homozygotes.

Submissions (7):

Labcorp Genetics (formerly Invitae), Labcorp
Classification: Benign for Autosomal dominant nocturnal frontal lobe epilepsy 5; Developmental and epileptic encephalopathy, 14. Last evaluated: 2026-01-29. Review status: criteria provided, single submitter. Criteria: Invitae Variant Classification Sherloc (09022015). Collection method: clinical testing. Allele origin: germline.

CeGaT Center for Human Genetics Tuebingen
Classification: Likely benign. Last evaluated: 2024-10-01. Review status: criteria provided, single submitter. Criteria: CeGaT Center For Human Genetics Tuebingen Variant Classification Criteria Version 2. Collection method: clinical testing. Allele origin: germline. Affected: yes. Observed: 1 variant allele.
Comment: KCNT1: BP4, BP7, BS1

ARUP Laboratories, Molecular Genetics and Genomics, ARUP Laboratories
Classification: Benign. Last evaluated: 2024-01-17. Review status: criteria provided, single submitter. Criteria: ARUP Molecular Germline Variant Investigation Process 2024. Collection method: clinical testing. Allele origin: germline.

Ambry Genetics
Classification: Likely benign for Inborn genetic diseases. Last evaluated: 2017-05-30. Review status: criteria provided, single submitter. Criteria: Ambry Variant Classification Scheme 2023. Collection method: clinical testing. Allele origin: germline.

Athena Diagnostics
Classification: Benign. Last evaluated: 2017-03-29. Review status: criteria provided, single submitter. Criteria: Athena Diagnostics Criteria. Collection method: clinical testing. Allele origin: germline.

Eurofins Ntd Llc (ga)
Classification: Uncertain significance. Last evaluated: 2016-10-11. Review status: criteria provided, single submitter. Criteria: EGL Classification Definitions 2015. Collection method: clinical testing. Allele origin: germline. Observed: 1 variant allele, 1 heterozygote.

GeneDx
Classification: Benign. Last evaluated: 2016-09-20. Review status: criteria provided, single submitter. Criteria: GeneDx Variant Classification (06012015). Collection method: clinical testing. Allele origin: germline. Affected: yes.
Comment: This variant is considered likely benign or benign based on one or more of the following criteria: it is a conservative change, it occurs at a poorly conserved position in the protein, it is predicted to be benign by multiple in silico algorithms, and/or has population frequency not consistent with disease.

NM_020822.3(KCNT1):c.2142G>A (p.Leu714=)

Gene: KCNT1 (potassium sodium-activated channel subfamily T member 1; plus strand). Cytogenetic location: 9q34.3.
Variant type: single nucleotide variant.
Coding change: c.2142G>A on transcript NM_020822.3 (MANE Select); coding-DNA position 2142, G replaced by A.
Protein change: p.Leu714=; no amino-acid change (leucine 714 retained).
Molecular consequence: synonymous variant.
Genome position (GRCh38, 1-based): chr9:135,772,848, G>A. VCF-style: chr9-135772848-G-A. GRCh37 (hg19) VCF-style: chr9-138664694-G-A.
Other names: c.2007G>A, p.Leu669= (NM_001272003.2).
Identifiers: ClinVar variation 386444 (VCV000386444.35), dbSNP rs370580872, ClinGen allele CA5327194.
Genomic context (GRCh38, chr9:135,772,848, plus strand): 5'-GCTGGCACTGCCCACGGAGAACGGCTCGGGCAGCCGGCGGCCCAGCATCGCGCCCGTCCT[G>A]GAACTGGCCGACAGCTCAGCCCTGCTGCCCTGCGACCTGCTGAGCGACCAGTCGGAGGAT-3'
Protein context (NP_065873.2, residues 704-724): GSRRPSIAPV[Leu714=]ELADSSALLP